The following is an entry in ClinVar:

NM_138694.4(PKHD1):c.2873delinsTGTATAAGAGACAGT (p.Asp958fs)

Gene: PKHD1 (PKHD1 ciliary IPT domain containing fibrocystin/polyductin; minus strand). Cytogenetic location: 6p12.2.
Variant type: Indel.
Coding change: c.2873delinsTGTATAAGAGACAGT on transcript NM_138694.4 (MANE Select); coding-DNA position 2873, A replaced by TGTATAAGAGACAGT.
Protein change: p.Asp958fs; shifts the reading frame from aspartic acid 958.
Molecular consequence: frameshift variant.
Genome position (GRCh38, 1-based): chr6:52,043,083, T replaced by ACTGTCTCTTATACA on the plus strand (A replaced by TGTATAAGAGACAGT on the coding strand, the reverse complement: PKHD1 is on the minus strand). VCF-style: chr6-52043083-T-ACTGTCTCTTATACA. GRCh37 (hg19) VCF-style: chr6-51907881-T-ACTGTCTCTTATACA.
Other names: c.2873delinsTGTATAAGAGACAGT, p.Asp958fs (NM_170724.3); short protein forms D958fs.
Identifiers: ClinVar variation 5011550 (VCV005011550.1).
Genomic context (GRCh38, chr6:52,043,083, plus strand): 5'-TGGTTTGAGAAAATAACTTTGCAACTCGTTTTGTTCACTGTAACCTGCAAGAACTGGGAG[T>ACTGTCTCTTATACA]CACCAGAGAAACCAGTTCCGGTAATGTAAATCATTAGGTTGATGTCACCATCTTAAAGGA-3'

ClinVar aggregate classification (germline): Pathogenic (1 of 4 stars; one submission).

Conditions:
Polycystic kidney disease 4 (PKD4). Also called: POLYCYSTIC KIDNEY AND HEPATIC DISEASE 1; POLYCYSTIC KIDNEY DISEASE, INFANTILE, TYPE I; POLYCYSTIC KIDNEY DISEASE 4 WITH OR WITHOUT POLYCYSTIC LIVER DISEASE; PKD3; Autosomal Recessive Polycystic Kidney Disease – PKHD1. Identifiers: MedGen C4540575, MONDO:0033004, OMIM 263200.

Submission:

Myriad Genetics, Inc.
Classification: Pathogenic for Polycystic kidney disease 4. Last evaluated: 2023-09-03. Review status: criteria provided, single submitter. Criteria: Myriad Autosomal Dominant, Autosomal Recessive and X-Linked Classification Criteria (2023). Collection method: clinical testing. Allele origin: unknown.
Comment: NM_138694.3(PKHD1):c.2873del1ins15(D958Vfs*14) is expected to be pathogenic in the context of autosomal recessive polycystic kidney disease, PKHD1-related. This variant is predicted to lead to an abnormal or absent protein product due to the creation of a premature termination codon in PKHD1, a gene where loss-of-function variants are known to be pathogenic. Please note: this variant was assessed in the context of healthy population screening.